The following is an entry in ClinVar:

ClinVar aggregate classification (germline): Likely benign. Review status: criteria provided, multiple submitters, no conflicts (2 of 4 stars). 2 submissions from 2 submitters: Likely benign (2). Last evaluated 2026-03-23.

Conditions:
EPCAM-related disorder. Also called: EPCAM-related condition.
Hereditary cancer-predisposing syndrome. Also called: Tumor predisposition; Hereditary neoplastic syndrome; Hereditary Cancer Syndrome; Neoplastic Syndromes, Hereditary. Identifiers: Orphanet 140162, MedGen C0027672, MeSH D009386, MONDO:0015356.

Allele frequency attached by ClinVar (database versions not stated): ExAC 0.00001; gnomAD exomes 0.00001; TOPMed 0.00001; gnomAD 0.00002; 1000 Genomes Project 30x 0.00016; 1000 Genomes Project 0.00020.

Submissions (2):

PreventionGenetics, part of Exact Sciences
Classification: Likely benign for EPCAM-related condition. Last evaluated: 2026-03-23. Review status: criteria provided, single submitter. Criteria: ACMG Guidelines, 2015. Collection method: clinical testing. Allele origin: germline.
Comment: This variant is classified as likely benign based on ACMG/AMP sequence variant interpretation guidelines (Richards et al. 2015 PMID: 25741868, with internal and published modifications).

Ambry Genetics
Classification: Likely benign for Hereditary cancer-predisposing syndrome. Last evaluated: 2022-08-02. Review status: criteria provided, single submitter. Criteria: Ambry Variant Classification Scheme 2023. Collection method: clinical testing. Allele origin: germline.

NM_002354.3(EPCAM):c.300T>C (p.Asp100=)

Gene: EPCAM (epithelial cell adhesion molecule; plus strand). Cytogenetic location: 2p21.
Variant type: single nucleotide variant.
Coding change: c.300T>C on transcript NM_002354.3 (MANE Select); coding-DNA position 300, T replaced by C.
Protein change: p.Asp100=; no amino-acid change (aspartic acid 100 retained).
Molecular consequence: synonymous variant.
Genome position (GRCh38, 1-based): chr2:47,373,923, T>C. VCF-style: chr2-47373923-T-C. GRCh37 (hg19) VCF-style: chr2-47601062-T-C.
Identifiers: ClinVar variation 1798802 (VCV001798802.3), dbSNP rs200150189, ClinGen allele CA1648950.